The following is an entry in ClinVar:

ClinVar aggregate classification (germline): Likely benign. Review status: reviewed by expert panel (3 of 4 stars). 5 submissions from 5 submitters: Likely benign (1). 4 of the submissions do not count toward it. Last evaluated 2026-05-26.

Conditions:
ABCA4-related disorder. Also called: ABCA4-related disorders; ABCA4-related condition. Identifiers: MedGen CN239167.
ABCA4-related retinopathy. Also called: ABCA4-related retinoapthy; ABCA4 retinoapthy. Identifiers: MedGen CN322612, MONDO:0800406.

Submissions (5):

ClinGen ABCA4 Variant Curation Expert Panel, Clingen
Classification: Likely benign for ABCA4-related retinopathy. Last evaluated: 2026-05-26. Review status: reviewed by expert panel. Criteria: ClinGen ABCA4 ACMG Specifications V1.0.0. Collection method: curation. Allele origin: germline. Inheritance: Autosomal recessive inheritance.
Comment: The NM_000350.3(ABCA4):c.3050+362_3050+370del variant in ABCA4 is an intronic variant which is located in intron 20. The GroupMax filtering allele frequency in gnomAD v4.1.0 is 0.002241, which is greater than the ClinGen ABCA4 VCEP’s threshold of >0.00163 meeting BS1_Supporting. The computational splicing predictor SpliceAI gives it a delta score of 0.11 for acceptor loss, which is above threshold of <0.1 so BP7_Moderate is not met. In summary, this variant meets the criteria to be classified as a variant of likely benign for ABCA4-related retinopathy based on the ACMG/AMP criteria applied, as specified by the ClinGen ABCA4 VCEP (Specification Version 1.0.0): BS1_Supporting.

Labcorp Genetics (formerly Invitae), Labcorp
Classification: Likely benign. Last evaluated: 2025-08-20. Review status: criteria provided, single submitter. Criteria: Invitae Variant Classification Sherloc (09022015). Collection method: clinical testing. Allele origin: germline. Not counted in ClinVar's aggregate classification.

Blueprint Genetics
Classification: Uncertain significance. Last evaluated: 2024-11-06. Review status: criteria provided, single submitter. Criteria: ACMG Guidelines, 2015. Collection method: clinical testing. Allele origin: germline. Not counted in ClinVar's aggregate classification.

GeneDx
Classification: Likely benign. Last evaluated: 2020-12-17. Review status: criteria provided, single submitter. Criteria: GeneDx Variant Classification Process June 2021. Collection method: clinical testing. Allele origin: germline. Affected: yes. Not counted in ClinVar's aggregate classification.

PreventionGenetics, part of Exact Sciences
Classification: Likely benign for ABCA4-related condition. Last evaluated: 2021-09-23. Review status: no assertion criteria provided. Collection method: clinical testing. Allele origin: germline. Not counted in ClinVar's aggregate classification.
Comment: This variant is classified as likely benign based on ACMG/AMP sequence variant interpretation guidelines (Richards et al. 2015 PMID: 25741868, with internal and published modifications).

NM_000350.3(ABCA4):c.3050+362_3050+370del

Gene: ABCA4 (ATP binding cassette subfamily A member 4; minus strand). Cytogenetic location: 1p22.1.
Variant type: Deletion.
Coding change: c.3050+362_3050+370del on transcript NM_000350.3 (MANE Select); bases 362 to 370 of the intron after coding-DNA position 3050, 9 bases deleted (CTGAAAGGC; older notation c.3050+362_3050+370delCTGAAAGGC).
Molecular consequence: intron variant.
Genome position (GRCh38, 1-based): chr1:94,044,243-94,044,251, GCCTTTCAG deleted on the plus strand (CTGAAAGGC on the coding strand, the reverse complement: ABCA4 is on the minus strand); deleting any 9 consecutive bases within chr1:94,044,243-94,044,254 gives the same sequence; the c. name uses the placement nearest the transcript's 3' end. VCF-style (leftmost placement, unchanged base first): chr1-94044242-TGCCTTTCAG-T. GRCh37 (hg19) VCF-style: chr1-94509798-TGCCTTTCAG-T.
Identifiers: ClinVar variation 1215505 (VCV001215505.15), dbSNP rs1056176825, ClinGen allele CA26839600.